The following is an entry in ClinVar:

ClinVar aggregate classification (germline): Conflicting classifications of pathogenicity. Review status: criteria provided, conflicting classifications (1 of 4 stars). 9 submissions from 9 submitters: Uncertain significance (1); Benign (2); Likely benign (6). Last evaluated 2026-08-01.

Conditions:
Neuropathy, hereditary sensory, type 2C. Also called: Hereditary sensory and autonomic neuropathy type IIC; KIF1A-Related HSAN2 (HSAN2C). Identifiers: Orphanet 970, MedGen C3280168, MONDO:0013634, OMIM 614213.
Intellectual disability, autosomal dominant 9 (NESCAVS). Also called: NESCAV SYNDROME; KIF1A-Related Neurodevelopmental Disorder. Identifiers: Orphanet 662367, MedGen C5393830, MONDO:0013656, OMIM 614255.
Hereditary spastic paraplegia 30. Identifiers: Orphanet 101010, MedGen C5235139, MONDO:0012476.
Inborn genetic diseases. Identifiers: MedGen C0950123, MeSH D030342.
Hereditary spastic paraplegia. Also called: Familial spastic paraparesis. Identifiers: Orphanet 685, MedGen C0037773, MONDO:0019064. Disease mechanism: loss of function.

Allele frequency attached by ClinVar (database versions not stated): gnomAD exomes 0.00014 and 0.00057; 1000 Genomes Project 30x 0.00265; ESP Exome Variant Server 0.00033; TOPMed 0.00049; gnomAD 0.00053 and 0.00060; ExAC 0.00057; 1000 Genomes Project 0.00220.
gnomAD v4.1: 351 of 1,613,484 alleles (0.022%); highest among the groups gnomAD compares: East Asian, 0.39%; 1 homozygote.

Submissions (9):

CeGaT Center for Human Genetics Tuebingen
Classification: Likely benign. Last evaluated: 2026-08-01. Review status: criteria provided, single submitter. Criteria: CeGaT Center For Human Genetics Tuebingen Variant Classification Criteria Version 2. Collection method: clinical testing. Allele origin: germline. Affected: yes. Observed: 2 variant alleles.
Comment: KIF1A: BP4, BP7

Labcorp Genetics (formerly Invitae), Labcorp
Classification: Benign for Hereditary spastic paraplegia 30; Neuropathy, hereditary sensory, type 2C; Intellectual disability, autosomal dominant 9. Last evaluated: 2026-01-19. Review status: criteria provided, single submitter. Criteria: Invitae Variant Classification Sherloc (09022015). Collection method: clinical testing. Allele origin: germline.

Athena Diagnostics
Classification: Benign. Last evaluated: 2024-12-12. Review status: criteria provided, single submitter. Criteria: Athena Diagnostics Criteria. Collection method: clinical testing. Allele origin: unknown.
Comment: The frequency of this variant in the general population is higher than would generally be expected for pathogenic variants in this gene.

Blueprint Genetics
Classification: Likely benign. Last evaluated: 2024-10-17. Review status: criteria provided, single submitter. Criteria: ACMG Guidelines, 2015. Collection method: clinical testing. Allele origin: germline.

GeneDx
Classification: Likely benign. Last evaluated: 2019-12-09. Review status: criteria provided, single submitter. Criteria: GeneDx Variant Classification Process June 2021. Collection method: clinical testing. Allele origin: germline. Affected: yes.

Genome Diagnostics Laboratory, The Hospital for Sick Children
Classification: Likely benign for Hereditary spastic paraplegia. Last evaluated: 2019-08-01. Review status: criteria provided, single submitter. Criteria: ACMG Guidelines, 2015. Collection method: clinical testing. Allele origin: germline. Affected: yes.

Genetic Services Laboratory, University of Chicago
Classification: Likely benign. Last evaluated: 2019-02-11. Review status: criteria provided, single submitter. Criteria: ACMG Guidelines, 2015. Collection method: clinical testing. Allele origin: germline. Affected: no.

Illumina Laboratory Services, Illumina
Classification: Uncertain significance for Spastic paraplegia 30A, autosomal dominant. Last evaluated: 2018-01-13. Review status: criteria provided, single submitter. Criteria: ICSL Variant Classification Criteria 13 December 2019. Collection method: clinical testing. Allele origin: germline.

Ambry Genetics
Classification: Likely benign for Inborn genetic diseases. Last evaluated: 2016-04-20. Review status: criteria provided, single submitter. Criteria: Ambry Variant Classification Scheme 2023. Collection method: clinical testing. Allele origin: germline.

NM_001244008.2(KIF1A):c.849C>T (p.Ser283=)

Gene: KIF1A (kinesin family member 1A; minus strand). Cytogenetic location: 2q37.3.
Variant type: single nucleotide variant.
Coding change: c.849C>T on transcript NM_001244008.2 (MANE Select); coding-DNA position 849, C replaced by T.
Protein change: p.Ser283=; no amino-acid change (serine 283 retained).
Molecular consequence: synonymous variant.
Genome position (GRCh38, 1-based): chr2:240,783,059, G>A on the plus strand (C>T on the coding strand, the complement: KIF1A is on the minus strand). VCF-style: chr2-240783059-G-A. GRCh37 (hg19) VCF-style: chr2-241722476-G-A.
Other names: c.849C>T (NM_001244008.1); c.849C>T, p.Ser283= (NM_001320705.2, NM_001330289.2, NM_001330290.2 and 20 more transcripts).
Identifiers: ClinVar variation 211299 (VCV000211299.77), dbSNP rs187442951, ClinGen allele CA206824.